The following is an entry in ClinVar:

ClinVar aggregate classification (germline): Uncertain significance (1 of 4 stars; one submission).

Conditions:
Wilms tumor 1 (WT1). Also called: Wilms tumor, somatic. Identifiers: Orphanet 654, MedGen CN033288, MONDO:0008679, OMIM 194070.

Allele frequency attached by ClinVar (database versions not stated): gnomAD exomes below 0.00001.
gnomAD v4.1: 5 of 1,207,636 alleles (0.00041%); highest among the groups gnomAD compares: South Asian, 0.0088%; 1 homozygote.

Submission:

Labcorp Genetics (formerly Invitae), Labcorp
Classification: Uncertain significance for Wilms tumor 1. Last evaluated: 2024-02-09. Review status: criteria provided, single submitter. Criteria: Invitae Variant Classification Sherloc (09022015). Collection method: clinical testing. Allele origin: germline.
Comment: This sequence change replaces isoleucine, which is neutral and non-polar, with valine, which is neutral and non-polar, at codon 313 of the GPC3 protein (p.Ile313Val). This variant is present in population databases (no rsID available, gnomAD 0.005%). This variant has not been reported in the literature in individuals affected with GPC3-related conditions. Advanced modeling of protein sequence and biophysical properties (such as structural, functional, and spatial information, amino acid conservation, physicochemical variation, residue mobility, and thermodynamic stability) performed at Invitae indicates that this missense variant is not expected to disrupt GPC3 protein function with a negative predictive value of 80%. In summary, the available evidence is currently insufficient to determine the role of this variant in disease. Therefore, it has been classified as a Variant of Uncertain Significance.

NM_004484.4(GPC3):c.937A>G (p.Ile313Val)

Gene: GPC3 (glypican 3; minus strand). Cytogenetic location: Xq26.2.
Variant type: single nucleotide variant.
Coding change: c.937A>G on transcript NM_004484.4 (MANE Select); coding-DNA position 937, A replaced by G.
Protein change: p.Ile313Val; replaces isoleucine 313 with valine.
Molecular consequence: missense variant.
Genome position (GRCh38, 1-based): chrX:133,753,577, T>C on the plus strand (A>G on the coding strand, the complement: GPC3 is on the minus strand). VCF-style: chrX-133753577-T-C. GRCh37 (hg19) VCF-style: chrX-132887604-T-C.
Other names: c.937A>G, p.Ile313Val (NM_001164617.2); c.889A>G, p.Ile297Val (NM_001164618.2); c.775A>G, p.Ile259Val (NM_001164619.2); short protein forms I313V, I297V, I259V.
Identifiers: ClinVar variation 2975308 (VCV002975308.3), dbSNP rs1156465706, ClinGen allele CA414705211.